The following is an entry in ClinVar:

NM_003482.4(KMT2D):c.11195A>G (p.Gln3732Arg)

Gene: KMT2D (lysine methyltransferase 2D; minus strand). Cytogenetic location: 12q13.12.
Variant type: single nucleotide variant.
Coding change: c.11195A>G on transcript NM_003482.4 (MANE Select); coding-DNA position 11195, A replaced by G.
Protein change: p.Gln3732Arg; replaces glutamine 3732 with arginine.
Molecular consequence: missense variant.
Genome position (GRCh38, 1-based): chr12:49,033,510, T>C on the plus strand (A>G on the coding strand, the complement: KMT2D is on the minus strand). VCF-style: chr12-49033510-T-C. GRCh37 (hg19) VCF-style: chr12-49427293-T-C.
Other names: short protein forms Q3732R.
Identifiers: ClinVar variation 2874851 (VCV002874851.4), dbSNP rs886049477, ClinGen allele CA10632919.
Genomic context (GRCh38, chr12:49,033,510, plus strand): 5'-GCCACCTGTCCTAGAAGGTGCTGCTGCTGCTGTTGCTGCTGCTGCTGCTGCTGCAGTTTC[T>C]GGGCCAGCTGCATACGTTGCTGCTGCAGCTGCAGCTGCCTTTCCTGTAAAAGCCTTGAAT-3'
Protein context (NP_003473.3, residues 3722-3742): QLQQQRMQLA[Gln3732Arg]KLQQQQQQQQ

ClinVar aggregate classification (germline): Conflicting classifications of pathogenicity. Review status: criteria provided, conflicting classifications (1 of 4 stars). 2 submissions from 2 submitters: Uncertain significance (1); Likely benign (1). Last evaluated 2024-07-11.

Conditions:
Kabuki syndrome. Also called: NIIKAWA-KUROKI SYNDROME; Kabuki make-up syndrome. Identifiers: Orphanet 2322, MedGen C0796004, MONDO:0016512.

Allele frequency attached by ClinVar (database versions not stated): TOPMed below 0.00001.
gnomAD v4.1: 1 of 1,613,608 alleles (0.000062%); highest among the groups gnomAD compares: Non-Finnish European, 0.000085%; no homozygotes.

Submissions (2):

Women's Health and Genetics/Laboratory Corporation of America, LabCorp
Classification: Uncertain significance. Last evaluated: 2024-07-11. Review status: criteria provided, single submitter. Criteria: LabCorp Variant Classification Summary - May 2015. Collection method: clinical testing. Allele origin: germline.
Comment: Variant summary: KMT2D c.11195A>G (p.Gln3732Arg) results in a conservative amino acid change in the encoded protein sequence. Three of five in-silico tools predict a benign effect of the variant on protein function. The variant was absent in 247136 control chromosomes. The available data on variant occurrences in the general population are insufficient to allow any conclusion about variant significance. To our knowledge, no occurrence of c.11195A>G in individuals affected with Kabuki Syndrome 1 and no experimental evidence demonstrating its impact on protein function have been reported. ClinVar contains an entry for this variant (Variation ID: 2874851). Based on the evidence outlined above, the variant was classified as uncertain significance.

Labcorp Genetics (formerly Invitae), Labcorp
Classification: Likely benign for Kabuki syndrome. Last evaluated: 2023-10-13. Review status: criteria provided, single submitter. Criteria: Invitae Variant Classification Sherloc (09022015). Collection method: clinical testing. Allele origin: germline.